The following is an entry in ClinVar:

NM_000169.3(GLA):c.104G>A (p.Gly35Glu)

Genes: GLA (galactosidase alpha; minus strand), RPL36A-HNRNPH2 (RPL36A-HNRNPH2 readthrough; plus strand). Cytogenetic location: Xq22.1.
Variant type: single nucleotide variant.
Coding change: c.104G>A on transcript NM_000169.3 (MANE Select); coding-DNA position 104, G replaced by A.
Protein change: p.Gly35Glu; replaces glycine 35 with glutamic acid.
Molecular consequence: missense variant. On other transcripts: non-coding transcript variant (3), intron variant (2).
Genome position (GRCh38, 1-based): chrX:101,407,800, C>T on the plus strand (G>A on the coding strand, the complement: GLA is on the minus strand). VCF-style: chrX-101407800-C-T. GRCh37 (hg19) VCF-style: chrX-100662788-C-T.
Other names: c.104G>A, p.Gly35Glu (NM_001406747.1, NM_001406748.1, NM_001406749.1); c.301-4136C>T (NM_001199973.2); c.178-4136C>T (NM_001199974.2); short protein forms G35E.
Identifiers: ClinVar variation 217376 (VCV000217376.3), dbSNP rs869312137, ClinGen allele CA353058.

ClinVar aggregate classification (germline): Likely pathogenic. Review status: criteria provided, single submitter (1 of 4 stars). 3 submissions from 2 submitters: Likely pathogenic (1). 2 of the submissions do not count toward it. Last evaluated 2026-09-08.

Conditions:
Fabry disease. Also called: ALPHA-GALACTOSIDASE A DEFICIENCY; ANDERSON-FABRY DISEASE; CERAMIDE TRIHEXOSIDASE DEFICIENCY; Fabry's disease; Angiokeratoma corporis diffusum; Ceramide trihexosidosis. Identifiers: Orphanet 324, MedGen C0002986, MONDO:0010526, OMIM 301500, HP:0001071. Disease mechanism: loss of function, Fabry disease is due to inactivating mutations in the X-linked GLA gene resulting in deficiency of the enzyme Alpha Galactosidase-A..
Migalastat response. Also called: 1-Deoxygalactonojirimycin response; Galafold response. Identifiers: MedGen CN233149.

Submissions (3):

Genomenon, Inc
Classification: Likely pathogenic for Fabry disease. Last evaluated: 2026-09-08. Review status: criteria provided, single submitter. Criteria: Genomenon Sequence Variant Interpretation Standards - Updated. Collection method: curation. Allele origin: germline. Affected: yes.
Comment: GLA p.Gly35Glu (c.104G>A) is a missense variant that changes the amino acid at codon 35 from Glycine to Glutamic acid. This variant has been observed in at least one proband with clinical features consistent with Fabry disease (PMID:29535138;38947680;31649303;38304433). The variant was found to segregate with disease in at least one affected family (PMID:38947680). Functional or patient cell studies have been reported (PMID:31649303;38947680;26415523). It is absent or not present at a significant frequency in gnomAD. In silico models predict that this variant is possibly or probably damaging. In conclusion, we classify GLA p.Gly35Glu (c.104G>A) as a likely pathogenic variant.

Albrecht-Kossel-Institute, Medical University Rostock
Classification: Pathogenic for Fabry's disease. Last evaluated: 2014-01-01. Review status: no assertion criteria provided. Collection method: research. Allele origin: inherited. Not counted in ClinVar's aggregate classification.

Albrecht-Kossel-Institute, Medical University Rostock
Classification: drug response for deoxygalactonojirimycin response. Last evaluated: 2014-01-01. Review status: no assertion criteria provided. Collection method: research. Allele origin: inherited. Not counted in ClinVar's aggregate classification.

Literature cited by the submitters: PubMed 29535138 (cited by Genomenon, Inc); PubMed 38947680 (cited by Genomenon, Inc); PubMed 31649303 (cited by Genomenon, Inc); PubMed 38304433 (cited by Genomenon, Inc); PubMed 26415523 (cited by Genomenon, Inc and Albrecht-Kossel-Institute, Medical University Rostock).